The following is an entry in ClinVar:

NM_000540.3(RYR1):c.641C>T (p.Thr214Met)

Gene: RYR1 (ryanodine receptor 1; plus strand). Cytogenetic location: 19q13.2.
Variant type: single nucleotide variant.
Coding change: c.641C>T on transcript NM_000540.3 (MANE Select); coding-DNA position 641, C replaced by T.
Protein change: p.Thr214Met; replaces threonine 214 with methionine.
Molecular consequence: missense variant.
Genome position (GRCh38, 1-based): chr19:38,446,481, C>T. VCF-style: chr19-38446481-C-T. GRCh37 (hg19) VCF-style: chr19-38937121-C-T.
Other names: c.641C>T, p.Thr214Met (NM_001042723.2); c.641C>T (NM_000540.2); short protein forms T214M.
Identifiers: ClinVar variation 167614 (VCV000167614.41), dbSNP rs727504129, ClinGen allele CA024581.
Genomic context (GRCh38, chr19:38,446,481, plus strand): 5'-CTTCCTGGGGCTCCAGCCTCCCATTGACCAACTTCCCTTGCTCCTCTCCAGGCTTCGTGA[C>T]GGGAGGTCACGTCCTCCGCCTCTTTCATGGACATATGGATGAGTGTCTGACCATTTCCCC-3'
Protein context (NP_000531.2, residues 204-224): ICSRCEEGFV[Thr214Met]GGHVLRLFHG

ClinVar aggregate classification (germline): Uncertain significance. Review status: reviewed by expert panel (3 of 4 stars). 13 submissions from 13 submitters: Uncertain significance (1). 12 of the submissions do not count toward it. Last evaluated 2025-08-01.

Conditions:
RYR1-related disorder. Also called: RYR1-related disorders; RYR1-related condition. Identifiers: MedGen CN239331.
Malignant hyperthermia, susceptibility to, 1 (MHS1). Also called: Malignant hyperthermia suceptibility 1; Anesthesia related hyperthermia; Malignant hyperpyrexia; Fulminating hyperpyrexia; Pharmacogenic myopathy; RYR1-Related Malignant Hyperthermia Susceptibility. Identifiers: Orphanet 423, MedGen C2930980, MONDO:0007783, OMIM 145600.
Congenital multicore myopathy with external ophthalmoplegia (CMYO1B). Also called: MULTIMINICORE DISEASE WITH EXTERNAL OPHTHALMOPLEGIA; Congenital myopathy 1B, autosomal recessive; Minicore myopathy; MULTICORE MYOPATHY; Minicore myopathy with external ophthalmoplegia. Identifiers: Orphanet 598, Orphanet 98905, MedGen C1850674, MONDO:0009712, OMIM 255320, HP:0003789.
Congenital myopathy with fiber type disproportion. Also called: Congenital fiber-type disproportion myopathy; Congenital fiber-type disproportion. Identifiers: Orphanet 2020, MedGen C0546264, MONDO:0009711. Inheritance: all.
Central core myopathy (CMYO1A). Also called: CONGENITAL MYOPATHY 1A, AUTOSOMAL DOMINANT, WITH SUSCEPTIBILITY TO MALIGNANT HYPERTHERMIA; Central core disease; Myopathy, central fibrillar. Identifiers: Orphanet 597, MedGen C5830701, MONDO:0007294, OMIM 117000.
King Denborough syndrome (KDS). Identifiers: MedGen C1840365, MONDO:0020485, OMIM 619542.
Malignant hyperthermia of anesthesia. Also called: Anesthesic-triggered malignant hyperthermia. Identifiers: Orphanet 423, MedGen C0024591, MONDO:0018493, HP:0034733.

Allele frequency attached by ClinVar (database versions not stated): ExAC 0.00011; TOPMed 0.00009; gnomAD 0.00012 and 0.00014; gnomAD exomes 0.00018 and 0.00009.
gnomAD v4.1: 287 of 1,613,352 alleles (0.018%); highest among the groups gnomAD compares: Non-Finnish European, 0.022%; no homozygotes.

Submissions 1 to 6 of 13:

ClinGen Malignant Hyperthermia Susceptibility Variant Curation Expert Panel, ClinGen
Classification: Uncertain significance for Malignant hyperthermia of anesthesia. Last evaluated: 2025-08-01. Review status: reviewed by expert panel. Criteria: ClinGen MHS ACMG Specifications V2. Collection method: curation. Allele origin: germline. Inheritance: Autosomal dominant inheritance.
Comment: This pathogenicity assessment is relevant only for malignant hyperthermia susceptibility (MHS) inherited in an autosomal dominant pattern. Variants in RYR1 can also cause other myopathies inherited in an autosomal dominant pattern or in an autosomal recessive pattern. Some of these disorders may predispose individuals to malignant hyperthermia. RYR1 variants may also contribute to a malignant hyperthermia reaction in combination with other genetic and non-genetic factors and the clinician needs to consider such factors in making management decisions. This sequence variant predicts a substitution of threonine with methionine at codon 214 of the RYR1 protein, p.(Thr214Met). The maximum allele frequency for this variant among the six major gnomAD populations is NFE: 0.00017, a frequency consistent with pathogenicity for MHS. This variant has been reported in four unrelated individuals who have a personal or family history of a malignant hyperthermia reaction; all of these individuals had a positive in vitro contracture test (IVCT) or caffeine halothane contracture test (CHCT) result (if the proband was unavailable for testing, a positive diagnostic test result in a mutation-positive relative was counted) PS4_Moderate (PMID:30236257). This variant has been reported in a fifth individual with a second variant in RYR1 classified as Likely Pathogenic (p.Glu2348del), this individual was not counted toward PS4 (PMID:27857962), the mother of this individual shared the p.Thr214Met variant and was MHN by IVCT, BS2_Moderate. Functional studies in HEK293 cells do not show a significant increase in sensitivity to RYR1 agonists, BS3_Supporting (PMID:27857962). This variant segregates with MHS in three individuals, PP1 (PMID:25658027, PMID:30236257). This variant resides in a region of RYR1 considered to be a hotspot for pathogenic variants that contribute to MHS, PM1 (PMID: 21118704). A REVEL score of 0.533 supports neither a pathogenic nor a benign status for this variant. Based on using Bayes to combine criteria this variant is assessed as a Variant of Uncertain Significance, (PMID: 29300386). Criteria implemented: PS4_Moderate, PM1, PP1, BS2_Moderate, BS3_Supporting.

GeneDx
Classification: Uncertain significance. Last evaluated: 2026-04-29. Review status: criteria provided, single submitter. Criteria: GeneDx Variant Classification Process June 2021. Collection method: clinical testing. Allele origin: germline. Not counted in ClinVar's aggregate classification.
Comment: Observed in patients with malignant hyperthermia susceptibility, however, a second variant was also identified in some of these families that could explain this phenotype (PMID: 27857962, 25658027, 30236257, 36208971); Observed with a second RYR1 variant in a patient with congenital myopathy, however, it is not known whether the variants occurred on the same (in cis) or on different (in trans) chromosomes, and the specific testing methodology was not described (PMID: 33333461); Published functional studies did not demonstrate a damaging effect (PMID: 32381029); In silico analysis suggests that this missense variant does not alter protein structure/function; This variant is associated with the following publications: (PMID: 30236257, 25658027, 36208971, 37937776, 33333461, 27857962, 32381029, 33767344)

Labcorp Genetics (formerly Invitae), Labcorp
Classification: Likely benign for RYR1-related disorder. Last evaluated: 2026-02-01. Review status: criteria provided, single submitter. Criteria: Invitae Variant Classification Sherloc (09022015). Collection method: clinical testing. Allele origin: germline. Not counted in ClinVar's aggregate classification.

Women's Health and Genetics/Laboratory Corporation of America, LabCorp
Classification: Likely benign. Last evaluated: 2025-10-09. Review status: criteria provided, single submitter. Criteria: LabCorp Variant Classification Summary - May 2015. Collection method: clinical testing. Allele origin: germline. Not counted in ClinVar's aggregate classification.
Comment: Variant summary: RYR1 c.641C>T (p.Thr214Met) results in a non-conservative amino acid change in the encoded protein sequence. Algorithms developed to predict the effect of missense changes on protein structure and function all suggest that this variant is likely to be disruptive. The variant allele was found at a frequency of 8.8e-05 in 251416 control chromosomes, predominantly at a frequency of 0.00015 within the Non-Finnish European subpopulation in the gnomAD database. The observed variant frequency within Non-Finnish European control individuals in the gnomAD database exceeds the estimated maximal expected allele frequency for disease-causing variants in RYR1. c.641C>T has been observed in individuals affected with Malignant Hyperthermia Susceptibility (Fiszer_2015, Stephens_2016, Miller) and with congenital myopathy (Natera-de Benito_2021). These reports do not provide unequivocal conclusions about association of the variant with Malignant Hyperthermia Susceptibility. Co-occurrence with another pathogenic variant has been reported in a Malignant Hyperthermia Susceptibility patient (RYR1 c.7042_7044delGAG, p.Glu2348del, Stephens_2016), providing supporting evidence for a benign role. At least one publication reports experimental evidence evaluating an impact on protein function. These results showed no damaging effect of this variant (Stephens_2016). The following publications have been ascertained in the context of this evaluation (PMID: 25658027, 27857962, 30236257, 33333461). ClinVar contains an entry for this variant (Variation ID: 167614). Based on the evidence outlined above, the variant was classified as likely benign.

Blueprint Genetics
Classification: Uncertain significance. Last evaluated: 2024-10-16. Review status: criteria provided, single submitter. Criteria: ACMG Guidelines, 2015. Collection method: clinical testing. Allele origin: germline. Not counted in ClinVar's aggregate classification.

All of Us Research Program, National Institutes of Health
Classification: Uncertain significance for Malignant hyperthermia, susceptibility to, 1. Last evaluated: 2024-08-13. Review status: criteria provided, single submitter. Criteria: ACMG Guidelines, 2015. Collection method: clinical testing. Allele origin: germline. Inheritance: Autosomal dominant inheritance. Observed: 23 variant alleles, 23 heterozygotes. Not counted in ClinVar's aggregate classification.
Comment: This missense variant replaces threonine with methionine at codon 214 of the RYR1 protein. Computational prediction is inconclusive regarding the impact of this variant on protein structure and function (internally defined REVEL score threshold 0.5 < inconclusive < 0.7, PMID: 27666373). A functional study in HEK293 cells showed that this variant does not increase sensitivity to RYR1-agonists compared to wild-type RYR1 (PMID: 27857962). This variant has been reported in individuals/families affected with malignant hyperthermia susceptibility (PMID:25658027, 27857962, 30236257, 36208971). One of these individuals also carried a pathogenic variant in the RYR1 gene, which may explain the observed phenotype (PMID: 27857962, 36208971). This variant has been identified in 27/282810 chromosomes in the general population by the Genome Aggregation Database (gnomAD). The available evidence is insufficient to determine the role of this variant in disease conclusively. Therefore, this variant is classified as a Variant of Uncertain Significance.

This study involves interpretation of variants in research participants for the purpose of population health screening. Participant phenotype was not available at the time of variant classification. Additional details can be found in publication PMID: 35346344, PMCID: PMC8962531